The following is an entry in ClinVar:

ClinVar aggregate classification (germline): Uncertain significance. Review status: criteria provided, multiple submitters, no conflicts (2 of 4 stars). 2 submissions from 2 submitters: Uncertain significance (2). Last evaluated 2023-06-06.

Conditions:
Hereditary cancer-predisposing syndrome. Also called: Hereditary neoplastic syndrome; Hereditary Cancer Syndrome; Neoplastic Syndromes, Hereditary; Tumor predisposition. Identifiers: Orphanet 140162, MedGen C0027672, MeSH D009386, MONDO:0015356.
Renal cell carcinoma. Identifiers: Orphanet 217071, MedGen C0007134, MeSH D002292, MONDO:0005086, HP:0005584.

Submissions (2):

Ambry Genetics
Classification: Uncertain significance for Hereditary cancer-predisposing syndrome. Last evaluated: 2023-06-06. Review status: criteria provided, single submitter. Criteria: Ambry Variant Classification Scheme 2023. Collection method: clinical testing. Allele origin: germline.
Comment: The c.1702-5T>A intronic variant results from a T to A substitution 5 nucleotides upstream from coding exon 5 in the MET gene. This nucleotide position is highly conserved in available vertebrate species. In silico splice site analysis predicts that this alteration will weaken the native splice acceptor site. Since supporting evidence is limited at this time, the clinical significance of this alteration remains unclear.

Labcorp Genetics (formerly Invitae), Labcorp
Classification: Uncertain significance for Renal cell carcinoma. Last evaluated: 2023-04-28. Review status: criteria provided, single submitter. Criteria: Invitae Variant Classification Sherloc (09022015). Collection method: clinical testing. Allele origin: germline.
Comment: In summary, the available evidence is currently insufficient to determine the role of this variant in disease. Therefore, it has been classified as a Variant of Uncertain Significance. Algorithms developed to predict the effect of sequence changes on RNA splicing suggest that this variant may disrupt the consensus splice site. This variant has not been reported in the literature in individuals affected with MET-related conditions. This variant is not present in population databases (gnomAD no frequency). This sequence change falls in intron 5 of the MET gene. It does not directly change the encoded amino acid sequence of the MET protein.

NM_000245.4(MET):c.1702-5T>A

Gene: MET (MET proto-oncogene, receptor tyrosine kinase; plus strand). Cytogenetic location: 7q31.2.
Variant type: single nucleotide variant.
Coding change: c.1702-5T>A on transcript NM_000245.4 (MANE Select); 5 bases into the intron before coding-DNA position 1702, T replaced by A.
Molecular consequence: intron variant.
Genome position (GRCh38, 1-based): chr7:116,755,350, T>A. VCF-style: chr7-116755350-T-A. GRCh37 (hg19) VCF-style: chr7-116395404-T-A.
Other names: c.1702-5T>A (NM_001127500.3, NM_001324401.3); c.412-5T>A (NM_001324402.2).
Identifiers: ClinVar variation 2567702 (VCV002567702.5), dbSNP rs2116908460, ClinGen allele CA2580617085.